The following is an entry in ClinVar:

NM_145868.2(ANXA11):c.158A>G (p.Tyr53Cys)

Gene: ANXA11 (annexin A11; minus strand). Cytogenetic location: 10q22.3.
Variant type: single nucleotide variant.
Coding change: c.158A>G on transcript NM_145868.2 (MANE Select); coding-DNA position 158, A replaced by G.
Protein change: p.Tyr53Cys; replaces tyrosine 53 with cysteine.
Molecular consequence: missense variant.
Genome position (GRCh38, 1-based): chr10:80,170,813, T>C on the plus strand (A>G on the coding strand, the complement: ANXA11 is on the minus strand). VCF-style: chr10-80170813-T-C. GRCh37 (hg19) VCF-style: chr10-81930569-T-C.
Other names: c.158A>G, p.Tyr53Cys (NM_001157.3, NM_001278407.2, NM_001278408.2 and 1 more transcripts); c.59A>G, p.Tyr20Cys (NM_001278409.2); c.158A>G (NM_145869.1, NM_001157.2); short protein forms Y53C, Y20C.
Identifiers: ClinVar variation 1500265 (VCV001500265.9), dbSNP rs766285457, ClinGen allele CA5576366.

ClinVar aggregate classification (germline): Uncertain significance. Review status: criteria provided, multiple submitters, no conflicts (2 of 4 stars). 3 submissions from 3 submitters: Uncertain significance (2). 1 of the submissions does not count toward it. Last evaluated 2025-05-15.

Conditions:
ANXA11-related disorder. Also called: ANXA11-related condition.
Inborn genetic diseases. Identifiers: MedGen C0950123, MeSH D030342.

Allele frequency attached by ClinVar (database versions not stated): TOPMed below 0.00001; ExAC 0.00003.
gnomAD v4.1: 19 of 1,483,702 alleles (0.0013%); highest among the groups gnomAD compares: Non-Finnish European, 0.0017%; no homozygotes.

Submissions (3):

Labcorp Genetics (formerly Invitae), Labcorp
Classification: Uncertain significance. Last evaluated: 2025-05-15. Review status: criteria provided, single submitter. Criteria: Invitae Variant Classification Sherloc (09022015). Collection method: clinical testing. Allele origin: germline.
Comment: This sequence change replaces tyrosine, which is neutral and polar, with cysteine, which is neutral and slightly polar, at codon 53 of the ANXA11 protein (p.Tyr53Cys). This variant is present in population databases (rs766285457, gnomAD 0.005%). This variant has not been reported in the literature in individuals affected with ANXA11-related conditions. ClinVar contains an entry for this variant (Variation ID: 1500265). Experimental studies and prediction algorithms are not available or were not evaluated, and the functional significance of this variant is currently unknown. In summary, the available evidence is currently insufficient to determine the role of this variant in disease. Therefore, it has been classified as a Variant of Uncertain Significance.

Ambry Genetics
Classification: Uncertain significance for Inborn genetic diseases. Last evaluated: 2023-12-16. Review status: criteria provided, single submitter. Criteria: Ambry Variant Classification Scheme 2023. Collection method: clinical testing. Allele origin: germline.

PreventionGenetics, part of Exact Sciences
Classification: Uncertain significance for ANXA11-related condition. Last evaluated: 2023-12-18. Review status: no assertion criteria provided. Collection method: clinical testing. Allele origin: germline. Not counted in ClinVar's aggregate classification.
Comment: The ANXA11 c.158A>G variant is predicted to result in the amino acid substitution p.Tyr53Cys. To our knowledge, this variant has not been reported in the literature. This variant is reported in 0.0063% of alleles in individuals of European (Non-Finnish) descent in gnomAD. At this time, the clinical significance of this variant is uncertain due to the absence of conclusive functional and genetic evidence.